The following is an entry in ClinVar:

NM_004667.6(HERC2):c.1402C>T (p.Arg468Cys)

Gene: HERC2 (HECT and RLD domain containing E3 ubiquitin protein ligase 2; minus strand). Cytogenetic location: 15q13.1.
Variant type: single nucleotide variant.
Coding change: c.1402C>T on transcript NM_004667.6 (MANE Select); coding-DNA position 1402, C replaced by T.
Protein change: p.Arg468Cys; replaces arginine 468 with cysteine.
Molecular consequence: missense variant.
Genome position (GRCh38, 1-based): chr15:28,269,292, G>A on the plus strand (C>T on the coding strand, the complement: HERC2 is on the minus strand). VCF-style: chr15-28269292-G-A. GRCh37 (hg19) VCF-style: chr15-28514438-G-A.
Other names: c.1402C>T (NM_004667.5); short protein forms R468C.
Identifiers: ClinVar variation 2510044 (VCV002510044.3), dbSNP rs376167368, ClinGen allele CA7443471.
Genomic context (GRCh38, chr15:28,269,292, plus strand): 5'-TGCCCAGAACACTCACCAGCGTGTCACTATTATAGGCCTGTGTGTACACGCGGCCATTGC[G>A]TGACAGAATCAGGAAACGCTTCTCTGCACAGGCAATCTGTGTGACTCCCAGGTTGGCCAG-3'
Protein context (NP_004658.3, residues 458-478): CAEKRFLILS[Arg468Cys]NGRVYTQAYN

ClinVar aggregate classification (germline): Uncertain significance. Review status: criteria provided, multiple submitters, no conflicts (2 of 4 stars). 2 submissions from 2 submitters: Uncertain significance (2). Last evaluated 2025-07-23.

Conditions:
Inborn genetic diseases. Identifiers: MedGen C0950123, MeSH D030342.

Allele frequency attached by ClinVar (database versions not stated): ESP Exome Variant Server 0.00008; gnomAD 0.00003.
gnomAD v4.1: 84 of 1,614,016 alleles (0.0052%); highest among the groups gnomAD compares: Non-Finnish European, 0.0064%; no homozygotes.

Submissions (2):

GeneDx
Classification: Uncertain significance. Last evaluated: 2025-07-23. Review status: criteria provided, single submitter. Criteria: GeneDx Variant Classification Process June 2021. Collection method: clinical testing. Allele origin: germline. Affected: yes.
Comment: In silico analysis suggests that this missense variant does not alter protein structure/function; Has not been previously published as pathogenic or benign to our knowledge

Ambry Genetics
Classification: Uncertain significance for Inborn genetic diseases. Last evaluated: 2023-06-06. Review status: criteria provided, single submitter. Criteria: Ambry Variant Classification Scheme 2023. Collection method: clinical testing. Allele origin: germline.